The following is an entry in ClinVar:

ClinVar aggregate classification (germline): Likely benign (1 of 4 stars; one submission).

gnomAD v4.1: 22 of 398,442 alleles (0.0055%); highest among the groups gnomAD compares: East Asian, 0.075%; no homozygotes.

Submission:

CeGaT Center for Human Genetics Tuebingen
Classification: Likely benign. Last evaluated: 2026-02-01. Review status: criteria provided, single submitter. Criteria: CeGaT Center For Human Genetics Tuebingen Variant Classification Criteria Version 2. Collection method: clinical testing. Allele origin: germline. Affected: yes. Observed: 1 variant allele.
Comment: KCNQ1OT1: BS2

NM_000218.3(KCNQ1):c.1394-10144G>C

Genes: KCNQ1 (potassium voltage-gated channel subfamily Q member 1; plus strand), KCNQ1OT1 (KCNQ1 opposite strand/antisense transcript 1; minus strand). Cytogenetic location: 11p15.5.
Variant type: single nucleotide variant.
Coding change: c.1394-10144G>C on transcript NM_000218.3 (MANE Select); 10144 bases into the intron before coding-DNA position 1394, G replaced by C.
Molecular consequence: intron variant. On other transcripts: non-coding transcript variant (1).
Genome position (GRCh38, 1-based): chr11:2,651,817, G>C. VCF-style: chr11-2651817-G-C. GRCh37 (hg19) VCF-style: chr11-2673047-G-C.
Other names: c.1124-10144G>C (NM_001406837.1); c.1298-10144G>C (NM_001406836.1); c.854-10144G>C (NM_001406838.1); c.1013-10144G>C (NM_181798.2).
Identifiers: ClinVar variation 4822619 (VCV004822619.4).